The following is an entry in ClinVar:

ClinVar aggregate classification (germline): Pathogenic. Review status: criteria provided, multiple submitters, no conflicts (2 of 4 stars). 2 submissions from 2 submitters: Pathogenic (2). Last evaluated 2026-08-17.

Conditions:
Breast-ovarian cancer, familial, susceptibility to, 2 (BROVCA2). Also called: BRCA2 Hereditary Breast and Ovarian Cancer. Identifiers: Orphanet 145, MedGen C2675520, MONDO:0012933, OMIM 612555. Disease mechanism: loss of function.
Hereditary breast ovarian cancer syndrome. Also called: BRCA1- and BRCA2-Associated Hereditary Breast and Ovarian Cancer; Hereditary breast and ovarian cancer syndrome (HBOC); Breast and ovarian cancer; Hereditary breast and ovarian cancer syndrome; Hereditary breast and/or ovarian cancer syndrome; Hereditary breast and ovarian cancer. Identifiers: Orphanet 145, MedGen C0677776, MeSH D061325, MONDO:0003582. Disease mechanism: loss of function.

Submissions (2):

Myriad Genetics, Inc.
Classification: Pathogenic for Breast-ovarian cancer, familial, susceptibility to, 2. Last evaluated: 2026-08-17. Review status: criteria provided, single submitter. Criteria: Myriad Autosomal Dominant, Autosomal Recessive and X-Linked Classification Criteria (2023). Collection method: clinical testing. Allele origin: unknown.
Comment: This variant is considered pathogenic. This variant creates a frameshift predicted to result in premature protein truncation.

Labcorp Genetics (formerly Invitae), Labcorp
Classification: Pathogenic for Hereditary breast ovarian cancer syndrome. Last evaluated: 2024-08-14. Review status: criteria provided, single submitter. Criteria: Invitae Variant Classification Sherloc (09022015). Collection method: clinical testing. Allele origin: germline.
Comment: This sequence change creates a premature translational stop signal (p.Phe1005Leufs*38) in the BRCA2 gene. It is expected to result in an absent or disrupted protein product. Loss-of-function variants in BRCA2 are known to be pathogenic (PMID: 20104584). This variant is not present in population databases (gnomAD no frequency). This variant has not been reported in the literature in individuals affected with BRCA2-related conditions. ClinVar contains an entry for this variant (Variation ID: 1071629). For these reasons, this variant has been classified as Pathogenic.

Literature cited by the submitters: PubMed 20104584 (cited by Labcorp Genetics (formerly Invitae), Labcorp).

NM_000059.4(BRCA2):c.3015del (p.Phe1005fs)

Gene: BRCA2 (BRCA2 DNA repair associated; plus strand). Cytogenetic location: 13q13.1.
Variant type: Deletion.
Coding change: c.3015del on transcript NM_000059.4 (MANE Select); coding-DNA position 3015, one base deleted (T; older notation c.3015delT).
Protein change: p.Phe1005fs; shifts the reading frame from phenylalanine 1005.
Molecular consequence: frameshift variant.
Genome position (GRCh38, 1-based): chr13:32,337,370, T deleted; the last of 4 consecutive T bases (chr13:32,337,367-32,337,370); deleting any one gives the same sequence. VCF-style (leftmost placement, unchanged base first): chr13-32337366-GT-G. GRCh37 (hg19) VCF-style: chr13-32911503-GT-G.
Other names: short protein forms F1005fs.
Identifiers: ClinVar variation 1071629 (VCV001071629.8), dbSNP rs397507650, ClinGen allele CA2499222123.
Genomic context (GRCh38, chr13:32,337,366, plus strand): 5'-AAAAAAATAATGATTACATGAACAAATGGGCAGGACTCTTAGGTCCAATTTCAAATCACA[GT>G]TTTGGAGGTAGCTTCAGAACAGCTTCAAATAAGGAAATCAAGCTCTCTGAACATAACATT-3'